The following is an entry in ClinVar:

ClinVar aggregate classification (germline): Likely benign (1 of 4 stars; one submission).

Allele frequency attached by ClinVar (database versions not stated): gnomAD exomes below 0.00001.
gnomAD v4.1: 3 of 1,613,284 alleles (0.00019%); highest among the groups gnomAD compares: South Asian, 0.0011%; no homozygotes.

Submission:

CeGaT Center for Human Genetics Tuebingen
Classification: Likely benign. Last evaluated: 2024-03-01. Review status: criteria provided, single submitter. Criteria: CeGaT Center For Human Genetics Tuebingen Variant Classification Criteria Version 2. Collection method: clinical testing. Allele origin: germline. Affected: yes. Observed: 1 variant allele.
Comment: TAF2: PM2:Supporting, BP4, BP7

NM_003184.4(TAF2):c.1725C>T (p.Phe575=)

Gene: TAF2 (TATA-box binding protein associated factor 2; minus strand). Cytogenetic location: 8q24.12.
Variant type: single nucleotide variant.
Coding change: c.1725C>T on transcript NM_003184.4 (MANE Select); coding-DNA position 1725, C replaced by T.
Protein change: p.Phe575=; no amino-acid change (phenylalanine 575 retained).
Molecular consequence: synonymous variant.
Genome position (GRCh38, 1-based): chr8:119,788,406, G>A on the plus strand (C>T on the coding strand, the complement: TAF2 is on the minus strand). VCF-style: chr8-119788406-G-A. GRCh37 (hg19) VCF-style: chr8-120800646-G-A.
Identifiers: ClinVar variation 3067399 (VCV003067399.21), dbSNP rs2488387885, ClinGen allele CA462670762.